The following is an entry in ClinVar:

ClinVar aggregate classification (germline): Uncertain significance (1 of 4 stars; one submission).

Conditions:
Combined immunodeficiency due to ORAI1 deficiency. Also called: IMMUNODEFICIENCY 9. Identifiers: Orphanet 169090, Orphanet 317428, MedGen C2748568, MONDO:0013007, OMIM 612782.
Myopathy, tubular aggregate, 2 (TAM2). Identifiers: MedGen C4014557, MONDO:0014383, OMIM 615883.

Allele frequency attached by ClinVar (database versions not stated): ExAC 0.00001; gnomAD 0.00011; gnomAD exomes 0.00001.

Submission:

Labcorp Genetics (formerly Invitae), Labcorp
Classification: Uncertain significance for Myopathy, tubular aggregate, 2; Combined immunodeficiency due to ORAI1 deficiency. Last evaluated: 2026-01-22. Review status: criteria provided, single submitter. Criteria: Invitae Variant Classification Sherloc (09022015). Collection method: clinical testing. Allele origin: germline.
Comment: This sequence change replaces proline, which is neutral and non-polar, with serine, which is neutral and polar, at codon 47 of the ORAI1 protein (p.Pro47Ser). This variant is present in population databases (rs782786977, gnomAD 0.02%). This variant has not been reported in the literature in individuals affected with ORAI1-related conditions. ClinVar contains an entry for this variant (Variation ID: 1430318). Experimental studies and prediction algorithms are not available or were not evaluated, and the functional significance of this variant is currently unknown. In summary, the available evidence is currently insufficient to determine the role of this variant in disease. Therefore, it has been classified as a Variant of Uncertain Significance.

NC_000012.12:g.121626886C>T

Genes: ORAI1 (ORAI calcium release-activated calcium modulator 1; plus strand), LOC130008987 (ATAC-STARR-seq lymphoblastoid silent region 4981; plus strand). Cytogenetic location: 12q24.31.
Variant type: single nucleotide variant.
Genome position: GRCh38 VCF-style: chr12-121626886-C-T. GRCh37 (hg19) VCF-style: chr12-122064792-C-T.
Other names: c.139C>T, p.Pro47Ser (NM_032790.4); short protein forms P47S.
Identifiers: ClinVar variation 1430318 (VCV001430318.6), dbSNP rs782786977, ClinGen allele CA244608429.